The following is an entry in ClinVar:

ClinVar aggregate classification (germline): Uncertain significance. Review status: criteria provided, multiple submitters, no conflicts (2 of 4 stars). 3 submissions from 3 submitters: Uncertain significance (3). Last evaluated 2023-08-15.

Conditions:
Autosomal recessive ataxia, Beauce type. Also called: SYNE1-Related Autosomal Recessive Cerebellar Ataxia; Spinocerebellar ataxia, autosomal recessive 8; ATAXIA, RECESSIVE, OF BEAUCE; SYNE1 Deficiency. Identifiers: Orphanet 88644, MedGen C1853116, MONDO:0012549, OMIM 610743.
Emery-Dreifuss muscular dystrophy 4, autosomal dominant (EDMD4). Also called: EMERY-DREIFUSS MUSCULAR DYSTROPHY 4 WITH VARIABLE FEATURES. Identifiers: Orphanet 261, MedGen C2751807, MONDO:0013071, OMIM 612998.

Allele frequency attached by ClinVar (database versions not stated): TOPMed below 0.00001; gnomAD exomes 0.00001; ExAC 0.00002.
gnomAD v4.1: 24 of 1,613,842 alleles (0.0015%); highest among the groups gnomAD compares: African/African-American, 0.0093%; no homozygotes.

Submissions (3):

Blueprint Genetics
Classification: Uncertain significance. Last evaluated: 2023-08-15. Review status: criteria provided, single submitter. Criteria: ACMG Guidelines, 2015. Collection method: clinical testing. Allele origin: germline.

Labcorp Genetics (formerly Invitae), Labcorp
Classification: Uncertain significance for Emery-Dreifuss muscular dystrophy 4, autosomal dominant; Autosomal recessive ataxia, Beauce type. Last evaluated: 2020-03-07. Review status: criteria provided, single submitter. Criteria: Invitae Variant Classification Sherloc (09022015). Collection method: clinical testing. Allele origin: germline.
Comment: In summary, the available evidence is currently insufficient to determine the role of this variant in disease. Therefore, it has been classified as a Variant of Uncertain Significance. Algorithms developed to predict the effect of missense changes on protein structure and function (SIFT, PolyPhen-2, Align-GVGD) all suggest that this variant is likely to be disruptive, but these predictions have not been confirmed by published functional studies and their clinical significance is uncertain. This variant has not been reported in the literature in individuals with SYNE1-related conditions. This variant is present in population databases (rs776253447, ExAC 0.003%). This sequence change replaces valine with leucine at codon 7542 of the SYNE1 protein (p.Val7542Leu). The valine residue is highly conserved and there is a small physicochemical difference between valine and leucine.

Revvity Omics, Revvity
Classification: Uncertain significance. Last evaluated: 2019-10-01. Review status: criteria provided, single submitter. Criteria: ACMG Guidelines, 2015. Collection method: clinical testing. Allele origin: germline.

NM_182961.4(SYNE1):c.22837G>C (p.Val7613Leu)

Gene: SYNE1 (spectrin repeat containing nuclear envelope protein 1; minus strand). Cytogenetic location: 6q25.2.
Variant type: single nucleotide variant.
Coding change: c.22837G>C on transcript NM_182961.4 (MANE Select); coding-DNA position 22837, G replaced by C.
Protein change: p.Val7613Leu; replaces valine 7613 with leucine.
Molecular consequence: missense variant.
Genome position (GRCh38, 1-based): chr6:152,206,350, C>G on the plus strand (G>C on the coding strand, the complement: SYNE1 is on the minus strand). VCF-style: chr6-152206350-C-G. GRCh37 (hg19) VCF-style: chr6-152527485-C-G.
Other names: c.22624G>C, p.Val7542Leu (NM_033071.5); c.22624G>C (NM_033071.3); short protein forms V7542L, V7613L.
Identifiers: ClinVar variation 1025623 (VCV001025623.10), dbSNP rs776253447, ClinGen allele CA4053773.